The following is an entry in ClinVar:

ClinVar aggregate classification (germline): Uncertain significance. Review status: criteria provided, multiple submitters, no conflicts (2 of 4 stars). 2 submissions from 2 submitters: Uncertain significance (2). Last evaluated 2024-12-25.

gnomAD v4.1: 8 of 1,604,420 alleles (0.0005%); highest among the groups gnomAD compares: Middle Eastern, 0.05%; no homozygotes.

Submissions (2):

Ambry Genetics
Classification: Uncertain significance. Last evaluated: 2024-12-25. Review status: criteria provided, single submitter. Criteria: Ambry Variant Classification Scheme 2023. Collection method: clinical testing. Allele origin: germline.

Labcorp Genetics (formerly Invitae), Labcorp
Classification: Uncertain significance. Last evaluated: 2022-10-19. Review status: criteria provided, single submitter. Criteria: Invitae Variant Classification Sherloc (09022015). Collection method: clinical testing. Allele origin: germline.
Comment: In summary, the available evidence is currently insufficient to determine the role of this variant in disease. Therefore, it has been classified as a Variant of Uncertain Significance. Algorithms developed to predict the effect of missense changes on protein structure and function are either unavailable or do not agree on the potential impact of this missense change (SIFT: "Deleterious"; PolyPhen-2: "Probably Damaging"; Align-GVGD: "Class C0"). This variant has not been reported in the literature in individuals affected with ADGRA3-related conditions. This variant is present in population databases (no rsID available, gnomAD 0.0009%). This sequence change replaces histidine, which is basic and polar, with glutamine, which is neutral and polar, at codon 1317 of the ADGRA3 protein (p.His1317Gln).

NM_145290.4(ADGRA3):c.3951C>G (p.His1317Gln)

Gene: ADGRA3 (adhesion G protein-coupled receptor A3; minus strand). Cytogenetic location: 4p15.2.
Variant type: single nucleotide variant.
Coding change: c.3951C>G on transcript NM_145290.4 (MANE Select); coding-DNA position 3951, C replaced by G.
Protein change: p.His1317Gln; replaces histidine 1317 with glutamine.
Molecular consequence: missense variant.
Genome position (GRCh38, 1-based): chr4:22,387,720, G>C on the plus strand (C>G on the coding strand, the complement: ADGRA3 is on the minus strand). VCF-style: chr4-22387720-G-C. GRCh37 (hg19) VCF-style: chr4-22389343-G-C.
Other names: c.3951C>G (NM_145290.2); short protein forms H1317Q.
Identifiers: ClinVar variation 1937885 (VCV001937885.6), dbSNP rs751531670, ClinGen allele CA356471328.